The following is an entry in ClinVar:

ClinVar aggregate classification (germline): Conflicting classifications of pathogenicity. Review status: criteria provided, conflicting classifications (1 of 4 stars). 4 submissions from 4 submitters: Uncertain significance (3); Likely benign (1). Last evaluated 2024-04-29.

Conditions:
Hereditary cancer-predisposing syndrome. Also called: Neoplastic Syndromes, Hereditary; Hereditary Cancer Syndrome; Tumor predisposition; Hereditary neoplastic syndrome. Identifiers: Orphanet 140162, MedGen C0027672, MeSH D009386, MONDO:0015356.
Hereditary breast ovarian cancer syndrome. Also called: Hereditary breast and/or ovarian cancer syndrome; Breast and ovarian cancer; Hereditary breast and ovarian cancer syndrome; BRCA1- and BRCA2-Associated Hereditary Breast and Ovarian Cancer; Hereditary breast and ovarian cancer; Hereditary breast and ovarian cancer syndrome (HBOC). Identifiers: Orphanet 145, MedGen C0677776, MeSH D061325, MONDO:0003582. Disease mechanism: loss of function.

Allele frequency attached by ClinVar (database versions not stated): gnomAD exomes below 0.00001.
gnomAD v4.1: 1 of 1,613,944 alleles (0.000062%); no homozygotes.

Submissions (4):

Labcorp Genetics (formerly Invitae), Labcorp
Classification: Uncertain significance for Hereditary breast ovarian cancer syndrome. Last evaluated: 2024-04-29. Review status: criteria provided, single submitter. Criteria: Invitae Variant Classification Sherloc (09022015). Collection method: clinical testing. Allele origin: germline.
Comment: This sequence change replaces asparagine, which is neutral and polar, with serine, which is neutral and polar, at codon 1059 of the BRCA1 protein (p.Asn1059Ser). This variant is present in population databases (no rsID available, gnomAD 0.004%). This variant has not been reported in the literature in individuals affected with BRCA1-related conditions. ClinVar contains an entry for this variant (Variation ID: 2037533). Advanced modeling of protein sequence and biophysical properties (such as structural, functional, and spatial information, amino acid conservation, physicochemical variation, residue mobility, and thermodynamic stability) performed at Invitae indicates that this missense variant is not expected to disrupt BRCA1 protein function with a negative predictive value of 95%. In summary, the available evidence is currently insufficient to determine the role of this variant in disease. Therefore, it has been classified as a Variant of Uncertain Significance.

Ambry Genetics
Classification: Uncertain significance for Hereditary cancer-predisposing syndrome. Last evaluated: 2024-03-10. Review status: criteria provided, single submitter. Criteria: Ambry Variant Classification Scheme 2023. Collection method: clinical testing. Allele origin: germline.
Comment: The p.N1059S variant (also known as c.3176A>G), located in coding exon 9 of the BRCA1 gene, results from an A to G substitution at nucleotide position 3176. The asparagine at codon 1059 is replaced by serine, an amino acid with highly similar properties. This amino acid position is conserved. In addition, the in silico prediction for this alteration is inconclusive. Based on the available evidence, the clinical significance of this alteration remains unclear.

University of Washington Department of Laboratory Medicine, University of Washington
Classification: Likely benign for Hereditary cancer-predisposing syndrome. Last evaluated: 2023-03-23. Review status: criteria provided, single submitter. Criteria: Dines et al. (Genet Med. 2020). Collection method: curation. Allele origin: germline.
Comment: Missense variant in a coldspot region where missense variants are very unlikely to be pathogenic (PMID:31911673).

BRCA1 coldspot (exon 11 using historical exon numbering). Reclassification based on statistical prior probability

Blueprint Genetics
Classification: Uncertain significance. Last evaluated: 2021-01-29. Review status: criteria provided, single submitter. Criteria: ACMG Guidelines, 2015. Collection method: clinical testing. Allele origin: germline.

NM_007294.4(BRCA1):c.3176A>G (p.Asn1059Ser)

Gene: BRCA1 (BRCA1 DNA repair associated; minus strand). Cytogenetic location: 17q21.31.
Variant type: single nucleotide variant.
Coding change: c.3176A>G on transcript NM_007294.4 (MANE Select); coding-DNA position 3176, A replaced by G.
Protein change: p.Asn1059Ser; replaces asparagine 1059 with serine.
Molecular consequence: missense variant. On other transcripts: intron variant (137).
Genome position (GRCh38, 1-based): chr17:43,092,355, T>C on the plus strand (A>G on the coding strand, the complement: BRCA1 is on the minus strand). VCF-style: chr17-43092355-T-C. GRCh37 (hg19) VCF-style: chr17-41244372-T-C.
Other names: c.2963A>G, p.Asn988Ser (NM_001407571.1, NM_001407853.1, NM_001407894.1 and 9 more transcripts); c.3176A>G, p.Asn1059Ser (NM_001407581.1, NM_001407582.1, NM_001407583.1 and 30 more transcripts); c.3173A>G, p.Asn1058Ser (NM_001407587.1, NM_001407590.1, NM_001407591.1 and 22 more transcripts); c.3167A>G, p.Asn1056Ser (NM_001407646.1, NM_001407647.1); c.3053A>G, p.Asn1018Ser (NM_001407648.1, NM_001407664.1, NM_001407665.1 and 19 more transcripts); c.3050A>G, p.Asn1017Ser (NM_001407649.1, NM_001407670.1, NM_001407671.1 and 11 more transcripts); c.3098A>G, p.Asn1033Ser (NM_001407653.1, NM_001407654.1, NM_001407655.1 and 4 more transcripts); c.3095A>G, p.Asn1032Ser (NM_001407659.1, NM_001407660.1, NM_001407661.1 and 1 more transcripts); and 41 more; short protein forms N1017S, N1058S, N1059S, N932S, N988S, N989S, N1012S, N763S.
Identifiers: ClinVar variation 2037533 (VCV002037533.8), dbSNP rs1427847949, ClinGen allele CA10595634.